The following is an entry in ClinVar:

NM_017617.5(NOTCH1):c.6061G>T (p.Val2021Phe)

Genes: NOTCH1 (notch receptor 1; minus strand), LOC126860794 (BRD4-independent group 4 enhancer GRCh37_chr9:139392592-139393791; plus strand). Cytogenetic location: 9q34.3.
Variant type: single nucleotide variant.
Coding change: c.6061G>T on transcript NM_017617.5 (MANE Select); coding-DNA position 6061, G replaced by T.
Protein change: p.Val2021Phe; replaces valine 2021 with phenylalanine.
Molecular consequence: missense variant.
Genome position (GRCh38, 1-based): chr9:136,499,133, C>A on the plus strand (G>T on the coding strand, the complement: NOTCH1 is on the minus strand). VCF-style: chr9-136499133-C-A. GRCh37 (hg19) VCF-style: chr9-139393585-C-A.
Other names: short protein forms V2021F.
Identifiers: ClinVar variation 2573695 (VCV002573695.2), dbSNP rs759643831, ClinGen allele CA375634301.

ClinVar aggregate classification (germline): Uncertain significance. Review status: criteria provided, multiple submitters, no conflicts (2 of 4 stars). 2 submissions from 2 submitters: Uncertain significance (2). Last evaluated 2025-07-28.

Conditions:
Adams-Oliver syndrome 5 (AOS5). Identifiers: Orphanet 974, MedGen C4014970, MONDO:0014459, OMIM 616028.

Submissions (2):

Labcorp Genetics (formerly Invitae), Labcorp
Classification: Uncertain significance for Adams-Oliver syndrome 5. Last evaluated: 2025-07-28. Review status: criteria provided, single submitter. Criteria: Invitae Variant Classification Sherloc (09022015). Collection method: clinical testing. Allele origin: germline.
Comment: This sequence change replaces valine, which is neutral and non-polar, with phenylalanine, which is neutral and non-polar, at codon 2021 of the NOTCH1 protein (p.Val2021Phe). This variant is not present in population databases (gnomAD no frequency). This variant has not been reported in the literature in individuals affected with NOTCH1-related conditions. ClinVar contains an entry for this variant (Variation ID: 2573695). Invitae Evidence Modeling of protein sequence and biophysical properties (such as structural, functional, and spatial information, amino acid conservation, physicochemical variation, residue mobility, and thermodynamic stability) has been performed for this missense variant. However, the output from this modeling did not meet the statistical confidence thresholds required to predict the impact of this variant on NOTCH1 protein function. In summary, the available evidence is currently insufficient to determine the role of this variant in disease. Therefore, it has been classified as a Variant of Uncertain Significance.

GeneDx
Classification: Uncertain significance. Last evaluated: 2023-01-19. Review status: criteria provided, single submitter. Criteria: GeneDx Variant Classification Process June 2021. Collection method: clinical testing. Allele origin: germline. Affected: yes.
Comment: Not observed at significant frequency in large population cohorts (gnomAD); In silico analysis supports that this missense variant has a deleterious effect on protein structure/function; Has not been previously published in an individual with NOTCH1-related disease as pathogenic or benign to our knowledge; This variant is associated with the following publications: (PMID: 35220972)